The following is an entry in ClinVar:

ClinVar aggregate classification (germline): Pathogenic/Likely pathogenic. Review status: criteria provided, multiple submitters, no conflicts (2 of 4 stars). 2 submissions from 2 submitters: Pathogenic (1); Likely pathogenic (1). Last evaluated 2023-10-18.

Conditions:
Inborn genetic diseases. Identifiers: MedGen C0950123, MeSH D030342.
Mitochondrial complex I deficiency, nuclear type 1. Also called: NADH-COENZYME Q REDUCTASE DEFICIENCY; MITOCHONDRIAL NADH DEHYDROGENASE COMPONENT OF COMPLEX I, DEFICIENCY OF. Identifiers: MedGen C6022305, MONDO:0100224, OMIM 252010.

Allele frequency attached by ClinVar (database versions not stated): gnomAD exomes 0.00002; ExAC 0.00004; gnomAD 0.00001.

Submissions (2):

Baylor Genetics
Classification: Likely pathogenic for Mitochondrial complex I deficiency, nuclear type 1. Last evaluated: 2023-10-18. Review status: criteria provided, single submitter. Criteria: ACMG Guidelines, 2015. Collection method: clinical testing. Allele origin: unknown.

Ambry Genetics
Classification: Pathogenic for Inborn genetic diseases. Last evaluated: 2021-06-06. Review status: criteria provided, single submitter. Criteria: Ambry Variant Classification Scheme 2023. Collection method: clinical testing. Allele origin: germline.
Comment: The c.319_322delTGGG (p.W107Kfs*4) alteration, located in exon 3 (coding exon 3) of the NDUFS4 gene, consists of a deletion of 4 nucleotides from position 319 to 322, causing a translational frameshift with a predicted alternate stop codon after 4 amino acids. This alteration is expected to result in loss of function by premature protein truncation or nonsense-mediated mRNA decay. Based on data from the Genome Aggregation Database (gnomAD) database, the NDUFS4 c.319_322delTGGG alteration was observed in 0.002% (6/282,814) of total alleles studied, with a frequency of 0.005% (6/129,140) in the European (non-Finnish) subpopulation. Based on the available evidence, this alteration is classified as pathogenic.

NM_002495.4(NDUFS4):c.319_322del (p.Trp107fs)

Gene: NDUFS4 (NADH:ubiquinone oxidoreductase subunit S4; plus strand). Cytogenetic location: 5q11.2.
Variant type: Deletion.
Coding change: c.319_322del on transcript NM_002495.4 (MANE Select); coding-DNA positions 319 to 322, 4 bases deleted (TGGG; older notation c.319_322delTGGG).
Protein change: p.Trp107fs; shifts the reading frame from tryptophan 107.
Molecular consequence: frameshift variant. On other transcripts: non-coding transcript variant (3).
Genome position (GRCh38, 1-based): chr5:53,646,374-53,646,377, TGGG deleted. VCF-style (leftmost placement, unchanged base first): chr5-53646373-ATGGG-A. GRCh37 (hg19) VCF-style: chr5-52942203-ATGGG-A.
Other names: c.319_322del, p.Trp107fs (NM_001318051.2); short protein forms W107fs.
Identifiers: ClinVar variation 2231090 (VCV002231090.3), dbSNP rs767393290, ClinGen allele CA3264264.